The following is an entry in ClinVar:

ClinVar aggregate classification (germline): Uncertain significance (1 of 4 stars; one submission).

gnomAD v4.1: 1 of 1,597,632 alleles (0.000063%); highest among the groups gnomAD compares: Non-Finnish European, 0.000086%; no homozygotes.

Submission:

Labcorp Genetics (formerly Invitae), Labcorp
Classification: Uncertain significance. Last evaluated: 2024-05-06. Review status: criteria provided, single submitter. Criteria: Invitae Variant Classification Sherloc (09022015). Collection method: clinical testing. Allele origin: germline.
Comment: This sequence change replaces lysine, which is basic and polar, with arginine, which is basic and polar, at codon 528 of the GUCY2C protein (p.Lys528Arg). This variant is not present in population databases (gnomAD no frequency). This variant has not been reported in the literature in individuals affected with GUCY2C-related conditions. Advanced modeling of protein sequence and biophysical properties (such as structural, functional, and spatial information, amino acid conservation, physicochemical variation, residue mobility, and thermodynamic stability) performed at Invitae indicates that this missense variant is not expected to disrupt GUCY2C protein function with a negative predictive value of 80%. In summary, the available evidence is currently insufficient to determine the role of this variant in disease. Therefore, it has been classified as a Variant of Uncertain Significance.

NM_004963.4(GUCY2C):c.1583A>G (p.Lys528Arg)

Gene: GUCY2C (guanylate cyclase 2C; minus strand). Cytogenetic location: 12p12.3.
Variant type: single nucleotide variant.
Coding change: c.1583A>G on transcript NM_004963.4 (MANE Select); coding-DNA position 1583, A replaced by G.
Protein change: p.Lys528Arg; replaces lysine 528 with arginine.
Molecular consequence: missense variant.
Genome position (GRCh38, 1-based): chr12:14,651,981, T>C on the plus strand (A>G on the coding strand, the complement: GUCY2C is on the minus strand). VCF-style: chr12-14651981-T-C. GRCh37 (hg19) VCF-style: chr12-14804915-T-C.
Other names: short protein forms K528R.
Identifiers: ClinVar variation 3691170 (VCV003691170.2).
Genomic context (GRCh38, chr12:14,651,981, plus strand): 5'-AAGTTATTTCTCAAGGGTTTGAAGTAAGGGCTACATACCTTGTTCAATTCTATCTTCTGT[T>C]TTTCAGTGAAATTACCATCATTGTGCTTGAGATCTTTGAGAATCACTCGCTGCAAAAATC-3'
Protein context (NP_004954.2, residues 518-538): LKHNDGNFTE[Lys528Arg]QKIELNKLLQ